The following is an entry in ClinVar:

ClinVar aggregate classification (germline): Uncertain significance (1 of 4 stars; one submission).

Allele frequency attached by ClinVar (database versions not stated): gnomAD exomes 0.00001; TOPMed 0.00002; ExAC 0.00003; ESP Exome Variant Server 0.00008.

Submission:

Labcorp Genetics (formerly Invitae), Labcorp
Classification: Uncertain significance. Last evaluated: 2024-12-09. Review status: criteria provided, single submitter. Criteria: Invitae Variant Classification Sherloc (09022015). Collection method: clinical testing. Allele origin: germline.
Comment: This sequence change replaces leucine, which is neutral and non-polar, with phenylalanine, which is neutral and non-polar, at codon 5 of the ACAN protein (p.Leu5Phe). This variant is present in population databases (rs371249232, gnomAD 0.003%). This variant has not been reported in the literature in individuals affected with ACAN-related conditions. ClinVar contains an entry for this variant (Variation ID: 2421679). Invitae Evidence Modeling of protein sequence and biophysical properties (such as structural, functional, and spatial information, amino acid conservation, physicochemical variation, residue mobility, and thermodynamic stability) indicates that this missense variant is not expected to disrupt ACAN protein function with a negative predictive value of 80%. In summary, the available evidence is currently insufficient to determine the role of this variant in disease. Therefore, it has been classified as a Variant of Uncertain Significance.

NM_001369268.1(ACAN):c.13C>T (p.Leu5Phe)

Gene: ACAN (aggrecan; plus strand). Cytogenetic location: 15q26.1.
Variant type: single nucleotide variant.
Coding change: c.13C>T on transcript NM_001369268.1 (MANE Select); coding-DNA position 13, C replaced by T.
Protein change: p.Leu5Phe; replaces leucine 5 with phenylalanine.
Molecular consequence: missense variant.
Genome position (GRCh38, 1-based): chr15:88,836,219, C>T. VCF-style: chr15-88836219-C-T. GRCh37 (hg19) VCF-style: chr15-89379450-C-T.
Other names: c.13C>T, p.Leu5Phe (NM_001135.4, NM_001411096.1, NM_001411097.1 and 1 more transcripts); short protein forms L5F.
Identifiers: ClinVar variation 2421679 (VCV002421679.6), dbSNP rs371249232, ClinGen allele CA7719113.
Genomic context (GRCh38, chr15:88,836,219, plus strand): 5'-CCTTCACTGTCTAAATAACGCCTCTGCCTCCCCTCTTCCAGGTGAACTATGACCACTTTA[C>T]TCTGGGTTTTCGTGACTCTGAGGGTCATCACTGCAGCTGTCACTGTAGAAACTTCAGGTG-3'
Protein context (NP_001356197.1, residues 1-15): MTTL[Leu5Phe]WVFVTLRVIT